The following is an entry in ClinVar:

NM_006445.4(PRPF8):c.4233A>G (p.Ser1411=)

Gene: PRPF8 (pre-mRNA processing factor 8; minus strand). Cytogenetic location: 17p13.3.
Variant type: single nucleotide variant.
Coding change: c.4233A>G on transcript NM_006445.4 (MANE Select); coding-DNA position 4233, A replaced by G.
Protein change: p.Ser1411=; no amino-acid change (serine 1411 retained).
Molecular consequence: synonymous variant.
Genome position (GRCh38, 1-based): chr17:1,661,376, T>C on the plus strand (A>G on the coding strand, the complement: PRPF8 is on the minus strand). VCF-style: chr17-1661376-T-C. GRCh37 (hg19) VCF-style: chr17-1564670-T-C.
Identifiers: ClinVar variation 3039912 (VCV003039912.2), dbSNP rs2543734212, ClinGen allele CA497392680.
Genomic context (GRCh38, chr17:1,661,376, plus strand): 5'-AGCCAGTGTGTGCCGGTCCTTCTGGAAGAGGGTATTGATTCGAGGAATGCCACGATCCCA[T>C]GAATCTTCTAGGTCTTCTAAAGTCAGGCGTCTTCCAAAAAAAGAAAGATTCAAGTCAAAA-3'
Protein context (NP_006436.3, residues 1401-1421): RRLTLEDLED[Ser1411=]WDRGIPRINT

ClinVar aggregate classification (germline): Likely benign (0 of 4 stars; one submission).

Conditions:
PRPF8-related disorder. Also called: PRPF8-related condition.

Allele frequency attached by ClinVar (database versions not stated): gnomAD exomes 0.00001.
gnomAD v4.1: 14 of 1,614,214 alleles (0.00087%); highest among the groups gnomAD compares: Non-Finnish European, 0.0012%; no homozygotes.

Submission:

PreventionGenetics, part of Exact Sciences
Classification: Likely benign for PRPF8-related condition. Last evaluated: 2019-09-18. Review status: no assertion criteria provided. Collection method: clinical testing. Allele origin: germline.
Comment: This variant is classified as likely benign based on ACMG/AMP sequence variant interpretation guidelines (Richards et al. 2015 PMID: 25741868, with internal and published modifications).